The following is an entry in ClinVar:

ClinVar aggregate classification (germline): Benign/Likely benign. Review status: criteria provided, multiple submitters, no conflicts (2 of 4 stars). 3 submissions from 3 submitters: Benign (1); Likely benign (2). Last evaluated 2026-03-01.

Conditions:
Inborn genetic diseases. Identifiers: MedGen C0950123, MeSH D030342.

Allele frequency attached by ClinVar (database versions not stated): ExAC 0.00028; 1000 Genomes Project 30x 0.00031; gnomAD 0.00034; TOPMed 0.00042; ESP Exome Variant Server 0.00054; gnomAD exomes 0.00075.
gnomAD v4.1: 1,128 of 1,613,986 alleles (0.07%); highest among the groups gnomAD compares: Non-Finnish European, 0.089%; no homozygotes.

Submissions (3):

CeGaT Center for Human Genetics Tuebingen
Classification: Likely benign. Last evaluated: 2026-03-01. Review status: criteria provided, single submitter. Criteria: CeGaT Center For Human Genetics Tuebingen Variant Classification Criteria Version 2. Collection method: clinical testing. Allele origin: germline. Affected: yes. Observed: 2 variant alleles.
Comment: BPTF: BS2

Labcorp Genetics (formerly Invitae), Labcorp
Classification: Benign. Last evaluated: 2025-10-29. Review status: criteria provided, single submitter. Criteria: Invitae Variant Classification Sherloc (09022015). Collection method: clinical testing. Allele origin: germline.

Ambry Genetics
Classification: Likely benign for Inborn genetic diseases. Last evaluated: 2023-07-14. Review status: criteria provided, single submitter. Criteria: Ambry Variant Classification Scheme 2023. Collection method: clinical testing. Allele origin: germline.

NM_182641.4(BPTF):c.7873G>A (p.Glu2625Lys)

Gene: BPTF (bromodomain PHD finger transcription factor; plus strand). Cytogenetic location: 17q24.2.
Variant type: single nucleotide variant.
Coding change: c.7873G>A on transcript NM_182641.4 (MANE Select); coding-DNA position 7873, G replaced by A.
Protein change: p.Glu2625Lys; replaces glutamic acid 2625 with lysine.
Molecular consequence: missense variant.
Genome position (GRCh38, 1-based): chr17:67,948,253, G>A. VCF-style: chr17-67948253-G-A. GRCh37 (hg19) VCF-style: chr17-65944369-G-A.
Other names: c.7873G>A (NM_182641.3); c.7822G>A, p.Glu2608Lys (NM_004459.7); short protein forms E2608K, E2625K.
Identifiers: ClinVar variation 2055198 (VCV002055198.30), dbSNP rs112224314, ClinGen allele CA8726438.